The following is an entry in ClinVar:

NM_000821.7(GGCX):c.2049C>T (p.Arg683=)

Gene: GGCX (gamma-glutamyl carboxylase; minus strand). Cytogenetic location: 2p11.2.
Variant type: single nucleotide variant.
Coding change: c.2049C>T on transcript NM_000821.7 (MANE Select); coding-DNA position 2049, C replaced by T.
Protein change: p.Arg683=; no amino-acid change (arginine 683 retained).
Molecular consequence: synonymous variant.
Genome position (GRCh38, 1-based): chr2:85,550,590, G>A on the plus strand (C>T on the coding strand, the complement: GGCX is on the minus strand). VCF-style: chr2-85550590-G-A. GRCh37 (hg19) VCF-style: chr2-85777713-G-A.
Other names: c.1878C>T, p.Arg626= (NM_001142269.4); c.2049C>T (NM_000821.6).
Identifiers: ClinVar variation 2784892 (VCV002784892.5), dbSNP rs369161986, ClinGen allele CA1741661.

ClinVar aggregate classification (germline): Likely benign. Review status: criteria provided, single submitter (1 of 4 stars). 2 submissions from 2 submitters: Likely benign (1). 1 of the submissions does not count toward it. Last evaluated 2025-12-03.

Conditions:
GGCX-related disorder. Also called: GGCX-related condition; GGCX - Related Disorders.

Allele frequency attached by ClinVar (database versions not stated): gnomAD exomes below 0.00001; TOPMed below 0.00001; ExAC 0.00001; ESP Exome Variant Server 0.00008.
gnomAD v4.1: 8 of 1,614,066 alleles (0.0005%); highest among the groups gnomAD compares: Non-Finnish European, 0.00051%; no homozygotes.

Submissions (2):

Labcorp Genetics (formerly Invitae), Labcorp
Classification: Likely benign. Last evaluated: 2025-12-03. Review status: criteria provided, single submitter. Criteria: Invitae Variant Classification Sherloc (09022015). Collection method: clinical testing. Allele origin: germline.

PreventionGenetics, part of Exact Sciences
Classification: Likely benign for GGCX-related condition. Last evaluated: 2019-05-08. Review status: no assertion criteria provided. Collection method: clinical testing. Allele origin: germline. Not counted in ClinVar's aggregate classification.
Comment: This variant is classified as likely benign based on ACMG/AMP sequence variant interpretation guidelines (Richards et al. 2015 PMID: 25741868, with internal and published modifications).